The following is an entry in ClinVar:

ClinVar aggregate classification (germline): Uncertain significance. Review status: criteria provided, multiple submitters, no conflicts (2 of 4 stars). 3 submissions from 3 submitters: Uncertain significance (3). Last evaluated 2024-12-16.

Conditions:
Inborn genetic diseases. Identifiers: MedGen C0950123, MeSH D030342.

Allele frequency attached by ClinVar (database versions not stated): gnomAD 0.00001; TOPMed 0.00002; ESP Exome Variant Server 0.00008.
gnomAD v4.1: 2 of 1,590,656 alleles (0.00013%); highest among the groups gnomAD compares: African/African-American, 0.0027%; no homozygotes.

Submissions (3):

Labcorp Genetics (formerly Invitae), Labcorp
Classification: Uncertain significance. Last evaluated: 2024-12-16. Review status: criteria provided, single submitter. Criteria: Invitae Variant Classification Sherloc (09022015). Collection method: clinical testing. Allele origin: germline.
Comment: This sequence change replaces leucine, which is neutral and non-polar, with glutamine, which is neutral and polar, at codon 1556 of the AHDC1 protein (p.Leu1556Gln). This variant is not present in population databases (gnomAD no frequency). This variant has not been reported in the literature in individuals affected with AHDC1-related conditions. ClinVar contains an entry for this variant (Variation ID: 2468957). An algorithm developed to predict the effect of missense changes on protein structure and function (PolyPhen-2) suggests that this variant is likely to be disruptive. In summary, the available evidence is currently insufficient to determine the role of this variant in disease. Therefore, it has been classified as a Variant of Uncertain Significance.

GeneDx
Classification: Uncertain significance. Last evaluated: 2023-05-25. Review status: criteria provided, single submitter. Criteria: GeneDx Variant Classification Process June 2021. Collection method: clinical testing. Allele origin: germline. Affected: yes.
Comment: Not observed at significant frequency in large population cohorts (gnomAD); In silico analysis supports that this missense variant does not alter protein structure/function; Has not been previously published as pathogenic or benign to our knowledge

Ambry Genetics
Classification: Uncertain significance for Inborn genetic diseases. Last evaluated: 2023-01-20. Review status: criteria provided, single submitter. Criteria: Ambry Variant Classification Scheme 2023. Collection method: clinical testing. Allele origin: germline.

NM_001371928.1(AHDC1):c.4667T>A (p.Leu1556Gln)

Gene: AHDC1 (AT-hook DNA binding motif containing 1; minus strand). Cytogenetic location: 1p36.11.
Variant type: single nucleotide variant.
Coding change: c.4667T>A on transcript NM_001371928.1 (MANE Select); coding-DNA position 4667, T replaced by A.
Protein change: p.Leu1556Gln; replaces leucine 1556 with glutamine.
Molecular consequence: missense variant.
Genome position (GRCh38, 1-based): chr1:27,547,449, A>T on the plus strand (T>A on the coding strand, the complement: AHDC1 is on the minus strand). VCF-style: chr1-27547449-A-T. GRCh37 (hg19) VCF-style: chr1-27873960-A-T.
Other names: c.4667T>A, p.Leu1556Gln (NM_001029882.3); c.623T>A, p.Leu208Gln (NM_015699.1); short protein forms L1556Q, L208Q.
Identifiers: ClinVar variation 2468957 (VCV002468957.6), dbSNP rs368785856, ClinGen allele CA19871377.